The following is an entry in ClinVar:

NM_001378452.1(ITPR1):c.5446G>A (p.Val1816Ile)

Gene: ITPR1 (inositol 1,4,5-trisphosphate receptor type 1; plus strand). Cytogenetic location: 3p26.1.
Variant type: single nucleotide variant.
Coding change: c.5446G>A on transcript NM_001378452.1 (MANE Select); coding-DNA position 5446, G replaced by A.
Protein change: p.Val1816Ile; replaces valine 1816 with isoleucine.
Molecular consequence: missense variant.
Genome position (GRCh38, 1-based): chr3:4,735,256, G>A. VCF-style: chr3-4735256-G-A. GRCh37 (hg19) VCF-style: chr3-4776940-G-A.
Other names: c.5302G>A, p.Val1768Ile (NM_001099952.4); c.5401G>A, p.Val1801Ile (NM_001168272.2); c.5257G>A, p.Val1753Ile (NM_002222.7); short protein forms V1816I, V1801I, V1753I, V1768I.
Identifiers: ClinVar variation 3682558 (VCV003682558.2).
Genomic context (GRCh38, chr3:4,735,256, plus strand): 5'-GGTGAGATGAGTCTGGCCGAGGTTCAGTGTCACCTTGACAAGGAGGGGGCTTCCAATCTA[G>A]TTATCGACCTCATCATGAACGCATCCAGTGACCGAGTGTTCCATGAAAGCATTCTCCTGG-3'
Protein context (NP_001365381.1, residues 1806-1826): HLDKEGASNL[Val1816Ile]IDLIMNASSD

ClinVar aggregate classification (germline): Uncertain significance (1 of 4 stars; one submission).

Submission:

Labcorp Genetics (formerly Invitae), Labcorp
Classification: Uncertain significance. Last evaluated: 2025-01-29. Review status: criteria provided, single submitter. Criteria: Invitae Variant Classification Sherloc (09022015). Collection method: clinical testing. Allele origin: germline.
Comment: This sequence change replaces valine, which is neutral and non-polar, with isoleucine, which is neutral and non-polar, at codon 1753 of the ITPR1 protein (p.Val1753Ile). This variant is not present in population databases (gnomAD no frequency). This variant has not been reported in the literature in individuals affected with ITPR1-related conditions. Invitae Evidence Modeling of protein sequence and biophysical properties (such as structural, functional, and spatial information, amino acid conservation, physicochemical variation, residue mobility, and thermodynamic stability) indicates that this missense variant is not expected to disrupt ITPR1 protein function with a negative predictive value of 95%. In summary, the available evidence is currently insufficient to determine the role of this variant in disease. Therefore, it has been classified as a Variant of Uncertain Significance.